The following is an entry in ClinVar:

ClinVar aggregate classification (germline): Uncertain significance (1 of 4 stars; one submission).

Submission:

GeneDx
Classification: Uncertain significance. Last evaluated: 2019-06-07. Review status: criteria provided, single submitter. Criteria: GeneDx Variant Classification Process June 2021. Collection method: clinical testing. Allele origin: germline. Affected: yes.
Comment: Not observed in large population cohorts (Lek et al., 2016); In silico analysis, which includes protein predictors and evolutionary conservation, supports a deleterious effect; Has not been previously published as pathogenic or benign to our knowledge

NM_005120.3(MED12):c.2868G>C (p.Lys956Asn)

Gene: MED12 (mediator complex subunit 12; plus strand). Cytogenetic location: Xq13.1.
Variant type: single nucleotide variant.
Coding change: c.2868G>C on transcript NM_005120.3 (MANE Select); coding-DNA position 2868, G replaced by C.
Protein change: p.Lys956Asn; replaces lysine 956 with asparagine.
Molecular consequence: missense variant.
Genome position (GRCh38, 1-based): chrX:71,127,354, G>C. VCF-style: chrX-71127354-G-C. GRCh37 (hg19) VCF-style: chrX-70347204-G-C.
Other names: short protein forms K956N.
Identifiers: ClinVar variation 1306319 (VCV001306319.2), dbSNP rs2147799309, ClinGen allele CA413516438.